The following is an entry in ClinVar:

NM_031471.6(FERMT3):c.544C>T (p.Pro182Ser)

Gene: FERMT3 (FERM domain containing kindlin 3; plus strand). Cytogenetic location: 11q13.1.
Variant type: single nucleotide variant.
Coding change: c.544C>T on transcript NM_031471.6 (MANE Select); coding-DNA position 544, C replaced by T.
Protein change: p.Pro182Ser; replaces proline 182 with serine.
Molecular consequence: missense variant.
Genome position (GRCh38, 1-based): chr11:64,211,304, C>T. VCF-style: chr11-64211304-C-T. GRCh37 (hg19) VCF-style: chr11-63978776-C-T.
Other names: c.544C>T, p.Pro182Ser (NM_001382361.1, NM_001382362.1, NM_001382448.1 and 1 more transcripts); c.4C>T, p.Pro2Ser (NM_001382363.1, NM_001382364.1); short protein forms P182S, P2S.
Identifiers: ClinVar variation 2086739 (VCV002086739.1), dbSNP rs772203611, ClinGen allele CA6068810.

ClinVar aggregate classification (germline): Uncertain significance (1 of 4 stars; one submission).

Conditions:
Leukocyte adhesion deficiency 3. Also called: Leukocyte adhesion deficiency, type III; INTEGRIN ACTIVATION DEFICIENCY DISEASE; LEUKOCYTE ADHESION DEFICIENCY 1 VARIANT. Identifiers: Orphanet 2968, Orphanet 99844, MedGen C2748536, MONDO:0013016, OMIM 612840.

Allele frequency attached by ClinVar (database versions not stated): gnomAD exomes below 0.00001; ExAC 0.00002.
gnomAD v4.1: 1 of 1,613,388 alleles (0.000062%); highest among the groups gnomAD compares: East Asian, 0.0022%; no homozygotes.

Submission:

Labcorp Genetics (formerly Invitae), Labcorp
Classification: Uncertain significance for Leukocyte adhesion deficiency 3. Last evaluated: 2022-02-11. Review status: criteria provided, single submitter. Criteria: Invitae Variant Classification Sherloc (09022015). Collection method: clinical testing. Allele origin: germline.
Comment: This sequence change replaces proline, which is neutral and non-polar, with serine, which is neutral and polar, at codon 182 of the FERMT3 protein (p.Pro182Ser). This variant is present in population databases (rs772203611, gnomAD 0.02%). This variant has not been reported in the literature in individuals affected with FERMT3-related conditions. Algorithms developed to predict the effect of missense changes on protein structure and function are either unavailable or do not agree on the potential impact of this missense change (SIFT: "Deleterious"; PolyPhen-2: "Probably Damaging"; Align-GVGD: "Class C0"). In summary, the available evidence is currently insufficient to determine the role of this variant in disease. Therefore, it has been classified as a Variant of Uncertain Significance.